The following is an entry in ClinVar:

NM_006070.6(TFG):c.1109C>T (p.Thr370Ile)

Gene: TFG (trafficking from ER to golgi regulator; plus strand). Cytogenetic location: 3q12.2.
Variant type: single nucleotide variant.
Coding change: c.1109C>T on transcript NM_006070.6 (MANE Select); coding-DNA position 1109, C replaced by T.
Protein change: p.Thr370Ile; replaces threonine 370 with isoleucine.
Molecular consequence: missense variant.
Genome position (GRCh38, 1-based): chr3:100,748,437, C>T. VCF-style: chr3-100748437-C-T. GRCh37 (hg19) VCF-style: chr3-100467281-C-T.
Other names: p.Thr370Ile; c.1109C>T, p.Thr370Ile (NM_001007565.2, NM_001195478.2); c.1097C>T, p.Thr366Ile (NM_001195479.2); short protein forms T366I, T370I.
Identifiers: ClinVar variation 1693875 (VCV001693875.6), dbSNP rs747373198, ClinGen allele CA2517253.

ClinVar aggregate classification (germline): Uncertain significance. Review status: criteria provided, multiple submitters, no conflicts (2 of 4 stars). 3 submissions from 3 submitters: Uncertain significance (3). Last evaluated 2026-05-01.

Conditions:
Hereditary motor and sensory neuropathy, Okinawa type (HMSNO). Also called: HEREDITARY MOTOR AND SENSORY NEUROPATHY, PROXIMAL TYPE. Identifiers: Orphanet 90117, MedGen C1858338, MONDO:0011468, OMIM 604484.
Hereditary spastic paraplegia 57. Also called: Spastic paraplegia 57, autosomal recessive. Identifiers: Orphanet 431329, MedGen C3714897, MONDO:0014295, OMIM 615658.
TFG-related disorder. Also called: TFG-related condition; TFG-related disorders.

Allele frequency attached by ClinVar (database versions not stated): gnomAD exomes below 0.00001; ExAC 0.00001.
gnomAD v4.1: 2 of 1,614,128 alleles (0.00012%); highest among the groups gnomAD compares: Non-Finnish European, 0.00017%; no homozygotes.

Submissions (3):

PreventionGenetics, part of Exact Sciences
Classification: Uncertain significance for TFG-related condition. Last evaluated: 2026-05-01. Review status: criteria provided, single submitter. Criteria: ACMG Guidelines, 2015. Collection method: clinical testing. Allele origin: germline.
Comment: The TFG c.1109C>T variant is predicted to result in the amino acid substitution p.Thr370Ile. To our knowledge, this variant has not been reported in the literature. This variant is reported in 0.00088% of alleles in individuals of European (non-Finnish) descent in gnomAD. At this time, the clinical significance of this variant is uncertain due to the absence of conclusive functional and genetic evidence.

Labcorp Genetics (formerly Invitae), Labcorp
Classification: Uncertain significance for Hereditary motor and sensory neuropathy, Okinawa type; Hereditary spastic paraplegia 57. Last evaluated: 2025-03-20. Review status: criteria provided, single submitter. Criteria: Invitae Variant Classification Sherloc (09022015). Collection method: clinical testing. Allele origin: germline.
Comment: This sequence change replaces threonine, which is neutral and polar, with isoleucine, which is neutral and non-polar, at codon 370 of the TFG protein (p.Thr370Ile). This variant is present in population databases (rs747373198, gnomAD 0.0009%). This variant has not been reported in the literature in individuals affected with TFG-related conditions. ClinVar contains an entry for this variant (Variation ID: 1693875). Invitae Evidence Modeling of protein sequence and biophysical properties (such as structural, functional, and spatial information, amino acid conservation, physicochemical variation, residue mobility, and thermodynamic stability) indicates that this missense variant is not expected to disrupt TFG protein function with a negative predictive value of 80%. In summary, the available evidence is currently insufficient to determine the role of this variant in disease. Therefore, it has been classified as a Variant of Uncertain Significance.

Mayo Clinic Laboratories, Mayo Clinic
Classification: Uncertain significance. Last evaluated: 2021-06-17. Review status: criteria provided, single submitter. Criteria: ACMG Guidelines, 2015. Collection method: clinical testing. Allele origin: germline.